The following is an entry in ClinVar:

NM_033028.5(BBS4):c.*3A>T

Gene: BBS4 (Bardet-Biedl syndrome 4; plus strand). Cytogenetic location: 15q24.1.
Variant type: single nucleotide variant.
Coding change: c.*3A>T on transcript NM_033028.5 (MANE Select); 3 bases downstream of the stop codon, A replaced by T.
Molecular consequence: 3 prime UTR variant. On other transcripts: non-coding transcript variant (2).
Genome position (GRCh38, 1-based): chr15:72,737,590, A>T. VCF-style: chr15-72737590-A-T. GRCh37 (hg19) VCF-style: chr15-73029931-A-T.
Other names: c.*3A>T (NM_001252678.2, NM_001320665.2).
Identifiers: ClinVar variation 3350975 (VCV003350975.1).

ClinVar aggregate classification (germline): Likely benign (0 of 4 stars; one submission).

Conditions:
BBS4-related disorder. Also called: BBS4-related condition.

Submission:

PreventionGenetics, part of Exact Sciences
Classification: Likely benign for BBS4-related condition. Last evaluated: 2021-12-30. Review status: no assertion criteria provided. Collection method: clinical testing. Allele origin: germline.
Comment: This variant is classified as likely benign based on ACMG/AMP sequence variant interpretation guidelines (Richards et al. 2015 PMID: 25741868, with internal and published modifications).